The following is an entry in ClinVar:

NM_002878.4(RAD51D):c.899G>T (p.Arg300Leu)

Genes: RAD51L3-RFFL (RAD51L3-RFFL readthrough; minus strand), RAD51D (RAD51 paralog D; minus strand). Cytogenetic location: 17q12.
Variant type: single nucleotide variant.
Coding change: c.899G>T on transcript NM_002878.4 (MANE Select); coding-DNA position 899, G replaced by T.
Protein change: p.Arg300Leu; replaces arginine 300 with leucine.
Molecular consequence: missense variant. On other transcripts: non-coding transcript variant (3).
Genome position (GRCh38, 1-based): chr17:35,101,205, C>A on the plus strand (G>T on the coding strand, the complement: RAD51D is on the minus strand). VCF-style: chr17-35101205-C-A. GRCh37 (hg19) VCF-style: chr17-33428224-C-A.
Other names: c.959G>T, p.Arg320Leu (NM_001142571.2); c.563G>T, p.Arg188Leu (NM_133629.3); short protein forms R188L, R300L, R320L.
Identifiers: ClinVar variation 1692735 (VCV001692735.3), dbSNP rs761290755, ClinGen allele CA399086250.

ClinVar aggregate classification (germline): Uncertain significance. Review status: criteria provided, multiple submitters, no conflicts (2 of 4 stars). 2 submissions from 2 submitters: Uncertain significance (2). Last evaluated 2025-01-14.

Conditions:
Hereditary cancer-predisposing syndrome. Also called: Hereditary Cancer Syndrome; Hereditary neoplastic syndrome; Neoplastic Syndromes, Hereditary; Tumor predisposition. Identifiers: Orphanet 140162, MedGen C0027672, MeSH D009386, MONDO:0015356.
Breast-ovarian cancer, familial, susceptibility to, 4. Identifiers: Orphanet 145, MedGen C3280345, MONDO:0013669, OMIM 614291.

Submissions (2):

Labcorp Genetics (formerly Invitae), Labcorp
Classification: Uncertain significance for Breast-ovarian cancer, familial, susceptibility to, 4. Last evaluated: 2025-01-14. Review status: criteria provided, single submitter. Criteria: Invitae Variant Classification Sherloc (09022015). Collection method: clinical testing. Allele origin: germline.
Comment: This sequence change replaces arginine, which is basic and polar, with leucine, which is neutral and non-polar, at codon 300 of the RAD51D protein (p.Arg300Leu). This variant is not present in population databases (gnomAD no frequency). This variant has not been reported in the literature in individuals affected with RAD51D-related conditions. ClinVar contains an entry for this variant (Variation ID: 1692735). Invitae Evidence Modeling of protein sequence and biophysical properties (such as structural, functional, and spatial information, amino acid conservation, physicochemical variation, residue mobility, and thermodynamic stability) has been performed for this missense variant. However, the output from this modeling did not meet the statistical confidence thresholds required to predict the impact of this variant on RAD51D protein function. In summary, the available evidence is currently insufficient to determine the role of this variant in disease. Therefore, it has been classified as a Variant of Uncertain Significance.

Sema4
Classification: Uncertain significance for Hereditary cancer-predisposing syndrome. Last evaluated: 2021-05-18. Review status: criteria provided, single submitter. Criteria: Sema4 Curation Guidelines. Collection method: curation. Allele origin: germline.
Comment: The RAD51D c.899G>T (p.R300L) variant has not been reported in the literature to our knowledge. It was not observed in the large and broad cohorts of the Genome Aggregation Database (PMID: 32461654). The variant has not been reported in ClinVar. Computational analyses and evolutionary conservation data do not provide strong support for or against an impact to the protein, however these predictions have not been confirmed by published functional studies. The evidence is insufficient to meet ACMG/AMP criteria for classifying the variant as benign or pathogenic. Thus, the clinical significance of this variant is currently uncertain.